The following is an entry in ClinVar:

NM_025132.4(WDR19):c.2668C>T (p.Pro890Ser)

Gene: WDR19 (WD repeat domain 19; plus strand). Cytogenetic location: 4p14.
Variant type: single nucleotide variant.
Coding change: c.2668C>T on transcript NM_025132.4 (MANE Select); coding-DNA position 2668, C replaced by T.
Protein change: p.Pro890Ser; replaces proline 890 with serine.
Molecular consequence: missense variant.
Genome position (GRCh38, 1-based): chr4:39,245,391, C>T. VCF-style: chr4-39245391-C-T. GRCh37 (hg19) VCF-style: chr4-39247011-C-T.
Other names: c.2188C>T, p.Pro730Ser (NM_001317924.2); c.2668C>T (NM_025132.3); short protein forms P730S, P890S.
Identifiers: ClinVar variation 1417065 (VCV001417065.9), dbSNP rs1318406101, ClinGen allele CA356639079.

ClinVar aggregate classification (germline): Uncertain significance. Review status: criteria provided, multiple submitters, no conflicts (2 of 4 stars). 2 submissions from 2 submitters: Uncertain significance (2). Last evaluated 2024-08-27.

Conditions:
Inborn genetic diseases. Identifiers: MedGen C0950123, MeSH D030342.
Asphyxiating thoracic dystrophy 5 (SRTD5). Also called: SHORT-RIB THORACIC DYSPLASIA 5 WITH OR WITHOUT POLYDACTYLY; SHORT-RIB THORACIC DYSPLASIA 5 WITHOUT POLYDACTYLY. Identifiers: Orphanet 474, MedGen C3280598, MONDO:0013717, OMIM 614376.
Senior-Loken syndrome 8 (SLSN8). Identifiers: Orphanet 3156, MedGen C4225376, MONDO:0014579, OMIM 616307.

Allele frequency attached by ClinVar (database versions not stated): TOPMed below 0.00001; gnomAD 0.00001; gnomAD exomes 0.00001 and 0.00002.
gnomAD v4.1: 9 of 1,613,462 alleles (0.00056%); highest among the groups gnomAD compares: East Asian, 0.016%; no homozygotes.

Submissions (2):

Ambry Genetics
Classification: Uncertain significance for Inborn genetic diseases. Last evaluated: 2024-08-27. Review status: criteria provided, single submitter. Criteria: Ambry Variant Classification Scheme 2023. Collection method: clinical testing. Allele origin: germline.

Labcorp Genetics (formerly Invitae), Labcorp
Classification: Uncertain significance for Senior-Loken syndrome 8; Asphyxiating thoracic dystrophy 5. Last evaluated: 2021-06-07. Review status: criteria provided, single submitter. Criteria: Invitae Variant Classification Sherloc (09022015). Collection method: clinical testing. Allele origin: germline.
Comment: This sequence change replaces proline with serine at codon 890 of the WDR19 protein (p.Pro890Ser). The proline residue is highly conserved and there is a moderate physicochemical difference between proline and serine. This variant is not present in population databases (ExAC no frequency). This variant has not been reported in the literature in individuals with WDR19-related conditions. Algorithms developed to predict the effect of missense changes on protein structure and function (SIFT, PolyPhen-2, Align-GVGD) all suggest that this variant is likely to be tolerated, but these predictions have not been confirmed by published functional studies and their clinical significance is uncertain. In summary, the available evidence is currently insufficient to determine the role of this variant in disease. Therefore, it has been classified as a Variant of Uncertain Significance.